The following is an entry in ClinVar:

ClinVar aggregate classification (germline): Uncertain significance. Review status: criteria provided, multiple submitters, no conflicts (2 of 4 stars). 2 submissions from 2 submitters: Uncertain significance (2). Last evaluated 2024-03-30.

Conditions:
Familial hypocalciuric hypercalcemia (FHH). Also called: Familial benign hypercalcemia. Identifiers: Orphanet 405, MedGen C1809471, MONDO:0018458.
Autosomal dominant hypocalcemia 1 (HYPOC1). Also called: HYPOCALCEMIA, FAMILIAL. Identifiers: MedGen C3715128, MONDO:0011013, OMIM 601198.
Familial hypocalciuric hypercalcemia 1. Also called: Hypercalcemia, familial benign type 1. Identifiers: Orphanet 405, Orphanet 93372, MedGen C0342637, MONDO:0007791, OMIM 145980.
Neonatal severe primary hyperparathyroidism. Identifiers: Orphanet 417, MedGen C1832615, MONDO:0009397, OMIM 239200.
Epilepsy, idiopathic generalized, susceptibility to, 8. Identifiers: MedGen C2752062, MONDO:0013032, OMIM 612899.

Allele frequency attached by ClinVar (database versions not stated): gnomAD exomes below 0.00001; ExAC 0.00001.

Submissions (2):

Fulgent Genetics
Classification: Uncertain significance for Familial hypocalciuric hypercalcemia 1; Neonatal severe primary hyperparathyroidism; Autosomal dominant hypocalcemia 1; Epilepsy, idiopathic generalized, susceptibility to, 8. Last evaluated: 2024-03-30. Review status: criteria provided, single submitter. Criteria: ACMG Guidelines, 2015. Collection method: clinical testing. Allele origin: germline.

Labcorp Genetics (formerly Invitae), Labcorp
Classification: Uncertain significance for Familial hypocalciuric hypercalcemia; Autosomal dominant hypocalcemia 1. Last evaluated: 2020-08-23. Review status: criteria provided, single submitter. Criteria: Invitae Variant Classification Sherloc (09022015). Collection method: clinical testing. Allele origin: germline.
Comment: This sequence change replaces serine with arginine at codon 1004 of the CASR protein (p.Ser1004Arg). The serine residue is weakly conserved and there is a moderate physicochemical difference between serine and arginine. In summary, this variant has uncertain impact on CASR function. The available evidence is currently insufficient to determine its role in disease. Therefore, it has been classified as a Variant of Uncertain Significance. Algorithms developed to predict the effect of missense changes on protein structure and function (SIFT, PolyPhen-2, Align-GVGD) all suggest that this variant is likely to be tolerated, but these predictions have not been confirmed by published functional studies and their clinical significance is uncertain. This variant has not been reported in the literature in individuals with a CASR-related disease. This variant is present in population databases (rs780255825, ExAC 0.001%).

NM_000388.4(CASR):c.3010A>C (p.Ser1004Arg)

Gene: CASR (calcium sensing receptor; plus strand). Cytogenetic location: 3q21.1.
Variant type: single nucleotide variant.
Coding change: c.3010A>C on transcript NM_000388.4 (MANE Select); coding-DNA position 3010, A replaced by C.
Protein change: p.Ser1004Arg; replaces serine 1004 with arginine.
Molecular consequence: missense variant.
Genome position (GRCh38, 1-based): chr3:122,284,964, A>C. VCF-style: chr3-122284964-A-C. GRCh37 (hg19) VCF-style: chr3-122003811-A-C.
Other names: c.3040A>C, p.Ser1014Arg (NM_001178065.2); short protein forms S1004R, S1014R.
Identifiers: ClinVar variation 463944 (VCV000463944.11), dbSNP rs780255825, ClinGen allele CA2569905.